The following is an entry in ClinVar:

NM_001105206.3(LAMA4):c.350A>G (p.Tyr117Cys)

Gene: LAMA4 (laminin subunit alpha 4; minus strand). Cytogenetic location: 6q21.
Variant type: single nucleotide variant.
Coding change: c.350A>G on transcript NM_001105206.3 (MANE Select); coding-DNA position 350, A replaced by G.
Protein change: p.Tyr117Cys; replaces tyrosine 117 with cysteine.
Molecular consequence: missense variant.
Genome position (GRCh38, 1-based): chr6:112,207,093, T>C on the plus strand (A>G on the coding strand, the complement: LAMA4 is on the minus strand). VCF-style: chr6-112207093-T-C. GRCh37 (hg19) VCF-style: chr6-112528294-T-C.
Other names: c.350A>G, p.Tyr117Cys (NM_001105207.3, NM_002290.5); short protein forms Y117C.
Identifiers: ClinVar variation 2117643 (VCV002117643.4), dbSNP rs2547191590, ClinGen allele CA365381049.
Genomic context (GRCh38, chr6:112,207,093, plus strand): 5'-GGCAGGGGACAGGGGCACGGCTGGCAGAATTGGGGTGCTCCCCTGATGGAATCTCCGATA[T>C]AACCATCCAGACACTTTTCACAGTGCTCTCCTGTTGTGTTCCGCTGGCAGTGCTATGAGA-3'
Protein context (NP_001098676.2, residues 107-127): GEHCEKCLDG[Tyr117Cys]IGDSIRGAPQ

ClinVar aggregate classification (germline): Uncertain significance (1 of 4 stars; one submission).

Conditions:
Dilated cardiomyopathy 1JJ (CMD1JJ). Identifiers: Orphanet 154, MedGen C3808935, MONDO:0014095, OMIM 615235.

Submission:

Labcorp Genetics (formerly Invitae), Labcorp
Classification: Uncertain significance for Dilated cardiomyopathy 1JJ. Last evaluated: 2022-03-26. Review status: criteria provided, single submitter. Criteria: Invitae Variant Classification Sherloc (09022015). Collection method: clinical testing. Allele origin: germline.
Comment: In summary, the available evidence is currently insufficient to determine the role of this variant in disease. Therefore, it has been classified as a Variant of Uncertain Significance. Algorithms developed to predict the effect of missense changes on protein structure and function are either unavailable or do not agree on the potential impact of this missense change (SIFT: "Deleterious"; PolyPhen-2: "Probably Damaging"; Align-GVGD: "Class C0"). This variant has not been reported in the literature in individuals affected with LAMA4-related conditions. This variant is not present in population databases (gnomAD no frequency). This sequence change replaces tyrosine, which is neutral and polar, with cysteine, which is neutral and slightly polar, at codon 117 of the LAMA4 protein (p.Tyr117Cys).